The following is an entry in ClinVar:

ClinVar aggregate classification (germline): Uncertain significance (1 of 4 stars; one submission).

Allele frequency attached by ClinVar (database versions not stated): TOPMed below 0.00001; ExAC 0.00001; ESP Exome Variant Server 0.00008.

Submission:

Labcorp Genetics (formerly Invitae), Labcorp
Classification: Uncertain significance. Last evaluated: 2022-06-30. Review status: criteria provided, single submitter. Criteria: Invitae Variant Classification Sherloc (09022015). Collection method: clinical testing. Allele origin: germline.
Comment: This sequence change replaces arginine, which is basic and polar, with cysteine, which is neutral and slightly polar, at codon 1819 of the ITPR3 protein (p.Arg1819Cys). This variant is present in population databases (rs374105933, gnomAD 0.007%). This variant has not been reported in the literature in individuals affected with ITPR3-related conditions. Algorithms developed to predict the effect of missense changes on protein structure and function are either unavailable or do not agree on the potential impact of this missense change (SIFT: "Deleterious"; PolyPhen-2: "Benign"; Align-GVGD: "Class C0"). In summary, the available evidence is currently insufficient to determine the role of this variant in disease. Therefore, it has been classified as a Variant of Uncertain Significance.

NM_002224.4(ITPR3):c.5455C>T (p.Arg1819Cys)

Gene: ITPR3 (inositol 1,4,5-trisphosphate receptor type 3; plus strand). Cytogenetic location: 6p21.31.
Variant type: single nucleotide variant.
Coding change: c.5455C>T on transcript NM_002224.4 (MANE Select); coding-DNA position 5455, C replaced by T.
Protein change: p.Arg1819Cys; replaces arginine 1819 with cysteine.
Molecular consequence: missense variant.
Genome position (GRCh38, 1-based): chr6:33,685,506, C>T. VCF-style: chr6-33685506-C-T. GRCh37 (hg19) VCF-style: chr6-33653283-C-T.
Other names: short protein forms R1819C.
Identifiers: ClinVar variation 2064421 (VCV002064421.1), dbSNP rs374105933, ClinGen allele CA3761561.
Genomic context (GRCh38, chr6:33,685,506, plus strand): 5'-GAGACCAAGTCCACGGTGGCAGTCAACATGAATGACCTGGGCAGCCAGCCACATGAGGAC[C>T]GCGAGCCAGTCGACCCCACCACCAAAGGTCAGGGGTCTGAGGCAGAGGCACGGCGTGACG-3'
Protein context (NP_002215.2, residues 1809-1829): NDLGSQPHED[Arg1819Cys]EPVDPTTKGR